The following is an entry in ClinVar:

NM_015272.5(RPGRIP1L):c.612C>T (p.Ala204=)

Gene: RPGRIP1L (RPGRIP1 like; minus strand). Cytogenetic location: 16q12.2.
Variant type: single nucleotide variant.
Coding change: c.612C>T on transcript NM_015272.5 (MANE Select); coding-DNA position 612, C replaced by T.
Protein change: p.Ala204=; no amino-acid change (alanine 204 retained).
Molecular consequence: synonymous variant.
Genome position (GRCh38, 1-based): chr16:53,687,883, G>A on the plus strand (C>T on the coding strand, the complement: RPGRIP1L is on the minus strand). VCF-style: chr16-53687883-G-A. GRCh37 (hg19) VCF-style: chr16-53721795-G-A.
Other names: c.612C>T (NM_015272.4); c.612C>T, p.Ala204= (NM_001127897.4, NM_001308334.3, NM_001330538.2).
Identifiers: ClinVar variation 1136290 (VCV001136290.12), dbSNP rs373750629, ClinGen allele CA8058077.

ClinVar aggregate classification (germline): Likely benign. Review status: criteria provided, multiple submitters, no conflicts (2 of 4 stars). 4 submissions from 4 submitters: Likely benign (2). 2 of the submissions do not count toward it. Last evaluated 2026-01-18.

Conditions:
RPGRIP1L-related disorder. Also called: RPGRIP1L-related condition; RPGRIP1L-related disorders. Identifiers: MedGen CN239416.
Meckel-Gruber syndrome. Also called: DYSENCEPHALIA SPLANCHNOCYSTICA; GRUBER SYNDROME; Dysencephalia splachnocystica. Identifiers: Orphanet 564, MedGen C0265215, MONDO:0018921.
Joubert syndrome. Also called: Familial aplasia of the vermis; JOUBERT-BOLTSHAUSER SYNDROME. Identifiers: Orphanet 475, MedGen C5979921, MONDO:0018772.

Allele frequency attached by ClinVar (database versions not stated): gnomAD exomes 0.00001 and 0.00004; ExAC 0.00006; ESP Exome Variant Server 0.00008; gnomAD 0.00015 and 0.00016; TOPMed 0.00017; 1000 Genomes Project 0.00040; 1000 Genomes Project 30x 0.00047.
gnomAD v4.1: 33 of 1,606,188 alleles (0.0021%); highest among the groups gnomAD compares: African/African-American, 0.04%; no homozygotes.

Submissions (4):

Labcorp Genetics (formerly Invitae), Labcorp
Classification: Likely benign for Joubert syndrome; Meckel-Gruber syndrome. Last evaluated: 2026-01-18. Review status: criteria provided, single submitter. Criteria: Invitae Variant Classification Sherloc (09022015). Collection method: clinical testing. Allele origin: germline.

Blueprint Genetics
Classification: Likely benign. Last evaluated: 2022-08-04. Review status: criteria provided, single submitter. Criteria: ACMG Guidelines, 2015. Collection method: clinical testing. Allele origin: germline.

Genetic Services Laboratory, University of Chicago
Classification: Likely benign. Last evaluated: 2022-08-29. Review status: no assertion criteria provided. Collection method: clinical testing. Allele origin: germline. Affected: no. Not counted in ClinVar's aggregate classification.

PreventionGenetics, part of Exact Sciences
Classification: Likely benign for RPGRIP1L-related condition. Last evaluated: 2019-10-14. Review status: no assertion criteria provided. Collection method: clinical testing. Allele origin: germline. Not counted in ClinVar's aggregate classification.
Comment: This variant is classified as likely benign based on ACMG/AMP sequence variant interpretation guidelines (Richards et al. 2015 PMID: 25741868, with internal and published modifications).